The following is an entry in ClinVar:

NM_001018005.2(TPM1):c.236C>T (p.Thr79Ile)

Gene: TPM1 (tropomyosin 1; plus strand). Cytogenetic location: 15q22.2.
Variant type: single nucleotide variant.
Coding change: c.236C>T on transcript NM_001018005.2 (MANE Select); coding-DNA position 236, C replaced by T.
Protein change: p.Thr79Ile; replaces threonine 79 with isoleucine.
Molecular consequence: missense variant. On other transcripts: intron variant (3).
Genome position (GRCh38, 1-based): chr15:63,044,148, C>T. VCF-style: chr15-63044148-C-T. GRCh37 (hg19) VCF-style: chr15-63336347-C-T.
Other names: c.236C>T, p.Thr79Ile (NM_000366.6, NM_001018004.2, NM_001018006.2 and 3 more transcripts); c.362C>T, p.Thr121Ile (NM_001365778.1); c.240+317C>T (NM_001018020.2, NM_001018007.2, NM_001301244.2); short protein forms T121I, T79I.
Identifiers: ClinVar variation 860040 (VCV000860040.12), dbSNP rs2031873302, ClinGen allele CA392718747.

ClinVar aggregate classification (germline): Uncertain significance. Review status: criteria provided, multiple submitters, no conflicts (2 of 4 stars). 2 submissions from 2 submitters: Uncertain significance (2). Last evaluated 2025-10-26.

Conditions:
Cardiovascular phenotype. Identifiers: MedGen CN230736.
Hypertrophic cardiomyopathy. Also called: HYPERTROPHIC MYOCARDIOPATHY. Identifiers: Orphanet 217569, MedGen C0007194, MeSH D002312, MONDO:0005045, HP:0001639.

Submissions (2):

Ambry Genetics
Classification: Uncertain significance for Cardiovascular phenotype. Last evaluated: 2025-10-26. Review status: criteria provided, single submitter. Criteria: Ambry Variant Classification Scheme 2023. Collection method: clinical testing. Allele origin: germline.
Comment: The p.T79I variant (also known as c.236C>T), located in coding exon 2 of the TPM1 gene, results from a C to T substitution at nucleotide position 236. The threonine at codon 79 is replaced by isoleucine, an amino acid with similar properties. This amino acid position is conserved. In addition, the in silico prediction for this alteration is inconclusive. Based on the available evidence, the clinical significance of this variant remains unclear.

Labcorp Genetics (formerly Invitae), Labcorp
Classification: Uncertain significance for Hypertrophic cardiomyopathy. Last evaluated: 2022-05-31. Review status: criteria provided, single submitter. Criteria: Invitae Variant Classification Sherloc (09022015). Collection method: clinical testing. Allele origin: germline.
Comment: This sequence change replaces threonine, which is neutral and polar, with isoleucine, which is neutral and non-polar, at codon 79 of the TPM1 protein (p.Thr79Ile). This variant is not present in population databases (gnomAD no frequency). This variant has not been reported in the literature in individuals affected with TPM1-related conditions. ClinVar contains an entry for this variant (Variation ID: 860040). Algorithms developed to predict the effect of missense changes on protein structure and function (SIFT, PolyPhen-2, Align-GVGD) all suggest that this variant is likely to be tolerated. In summary, the available evidence is currently insufficient to determine the role of this variant in disease. Therefore, it has been classified as a Variant of Uncertain Significance.